The following is an entry in ClinVar:

NM_003742.4(ABCB11):c.371C>A (p.Thr124Lys)

Gene: ABCB11 (ATP binding cassette subfamily B member 11; minus strand). Cytogenetic location: 2q31.1.
Variant type: single nucleotide variant.
Coding change: c.371C>A on transcript NM_003742.4 (MANE Select); coding-DNA position 371, C replaced by A.
Protein change: p.Thr124Lys; replaces threonine 124 with lysine.
Molecular consequence: missense variant.
Genome position (GRCh38, 1-based): chr2:169,013,290, G>T on the plus strand (C>A on the coding strand, the complement: ABCB11 is on the minus strand). VCF-style: chr2-169013290-G-T. GRCh37 (hg19) VCF-style: chr2-169869800-G-T.
Other names: short protein forms T124K.
Identifiers: ClinVar variation 3352544 (VCV003352544.1).

ClinVar aggregate classification (germline): Uncertain significance (0 of 4 stars; one submission).

Conditions:
ABCB11-related disorder. Also called: ABCB11-related condition.

gnomAD v4.1: 7 of 1,611,908 alleles (0.00043%); highest among the groups gnomAD compares: South Asian, 0.0055%; no homozygotes.

Submission:

PreventionGenetics, part of Exact Sciences
Classification: Uncertain significance for ABCB11-related condition. Last evaluated: 2024-09-17. Review status: no assertion criteria provided. Collection method: clinical testing. Allele origin: germline.
Comment: The ABCB11 c.371C>A variant is predicted to result in the amino acid substitution p.Thr124Lys. To our knowledge, this variant has not been reported in the literature. This variant is reported in 0.0033% of alleles in individuals of South Asian descent in gnomAD. At this time, the clinical significance of this variant is uncertain due to the absence of conclusive functional and genetic evidence.